The following is an entry in ClinVar:

ClinVar aggregate classification (germline): Uncertain significance. Review status: reviewed by expert panel (3 of 4 stars). 4 submissions from 4 submitters: Uncertain significance (1). 3 of the submissions do not count toward it. Last evaluated 2020-03-18.

Conditions:
Hereditary thrombocytopenia and hematologic cancer predisposition syndrome. Identifiers: Orphanet 71290, MedGen CN281654, MONDO:0011071.
Hereditary thrombocytopenia and hematological cancer predisposition syndrome associated with RUNX1. Also called: PLATELET DISORDER, ASPIRIN-LIKE; RUNX1 Familial Platelet Disorder with Associated Myeloid Malignancies; Familial Platelet Disorder with Propensity to Acute Myelogenous Leukemia; Familial thrombocytopenia with propensity to acute myelogenous leukemia. Identifiers: Orphanet 71290, MedGen C1832388, MeSH C563324, MONDO:0100083, OMIM 601399.
Inborn genetic diseases. Identifiers: MedGen C0950123, MeSH D030342.

Submissions (4):

ClinGen Myeloid Malignancy Variant Curation Expert Panel
Classification: Uncertain significance for Hereditary thrombocytopenia and hematologic cancer predisposition syndrome. Last evaluated: 2020-03-18. Review status: reviewed by expert panel. Criteria: ClinGen MyeloMalig ACMG Specifications v1. Collection method: curation. Allele origin: germline. Inheritance: Autosomal dominant inheritance.
Comment: The NM_001754.4:c.690_691delinsAA results in the Leu231Met change. The variant is completely absent from all population databases with at least 20x coverage for RUNX1 (PM2).There are no literature reports of patients with the variant and Familial platelet disorder and predisposition to hematologic malignancies, to the best of our knowledge; however, one unpublished proband meeting at least one of the RUNX1 phenotype criteria is noted (PS4_Supporting; SCV000807802.1). In summary, the clinical significance of this variant is uncertain. ACMG/AMP criteria applied, as specified by the Myeloid Malignancy Variant Curation Expert Panel for RUNX1: PM2, PS4_Supporting.

Ambry Genetics
Classification: Uncertain significance for Inborn genetic diseases. Last evaluated: 2025-05-17. Review status: criteria provided, single submitter. Criteria: Ambry Variant Classification Scheme 2023. Collection method: clinical testing. Allele origin: germline. Not counted in ClinVar's aggregate classification.
Comment: The c.690_691delGCinsAA variant (also known as p.L231M), located in coding exon 6 of the RUNX1 gene, results from an in-frame deletion of GC and insertion of AA at nucleotide positions 690 to 691. This results in the substitution of the leucine residue for a methionine residue at codon 231, an amino acid with highly similar properties. This amino acid position is highly conserved in available vertebrate species. In addition, this variant is predicted to be neutral by in silico analysis (Choi Y et al. PLoS ONE. 2012; 7(10):e46688). Based on the available evidence, the clinical significance of this variant remains unclear.

Labcorp Genetics (formerly Invitae), Labcorp
Classification: Uncertain significance for Hereditary thrombocytopenia and hematological cancer predisposition syndrome associated with RUNX1. Last evaluated: 2024-10-21. Review status: criteria provided, single submitter. Criteria: Invitae Variant Classification Sherloc (09022015). Collection method: clinical testing. Allele origin: germline. Not counted in ClinVar's aggregate classification.
Comment: This sequence change replaces leucine, which is neutral and non-polar, with methionine, which is neutral and non-polar, at codon 231 of the RUNX1 protein (p.Leu231Met). Information on the frequency of this variant in the gnomAD database is not available, as this variant may be reported differently in the database. This variant has not been reported in the literature in individuals affected with RUNX1-related conditions. ClinVar contains an entry for this variant (Variation ID: 561254). Experimental studies and prediction algorithms are not available or were not evaluated, and the functional significance of this variant is currently unknown. In summary, the available evidence is currently insufficient to determine the role of this variant in disease. Therefore, it has been classified as a Variant of Uncertain Significance.

PreventionGenetics, part of Exact Sciences
Classification: Uncertain significance. Last evaluated: 2017-04-10. Review status: criteria provided, single submitter. Criteria: ACMG Guidelines, 2015. Collection method: clinical testing. Allele origin: germline. Not counted in ClinVar's aggregate classification.

NM_001754.5(RUNX1):c.690_691delinsAA (p.Leu231Met)

Gene: RUNX1 (RUNX family transcription factor 1; minus strand). Cytogenetic location: 21q22.12.
Variant type: Indel.
Coding change: c.690_691delinsAA on transcript NM_001754.5 (MANE Select); coding-DNA positions 690 to 691, GC replaced by AA.
Protein change: p.Leu231Met; replaces leucine 231 with methionine.
Molecular consequence: missense variant.
Genome position (GRCh38, 1-based): chr21:34,834,524-34,834,525, GC replaced by TT on the plus strand (GC replaced by AA on the coding strand, the reverse complement: RUNX1 is on the minus strand). VCF-style: chr21-34834524-GC-TT. GRCh37 (hg19) VCF-style: chr21-36206821-GC-TT.
Other names: c.690_691delGCinsAA (NM_001754.4); c.609_610delinsAA, p.Leu204Met (NM_001001890.3, NM_001122607.2); c.690_691delinsAA (NM_001754.4); short protein forms L231M, L204M.
Identifiers: ClinVar variation 561254 (VCV000561254.14), dbSNP rs1569037241, ClinGen allele CA658824401.